The following is an entry in ClinVar:

ClinVar aggregate classification (germline): Likely benign. Review status: criteria provided, single submitter (1 of 4 stars). 2 submissions from 2 submitters: Likely benign (1). 1 of the submissions does not count toward it. Last evaluated 2023-07-10.

Conditions:
KIDINS220-related disorder. Also called: KIDINS220-related condition.

Allele frequency attached by ClinVar (database versions not stated): TOPMed below 0.00001.

Submissions (2):

Labcorp Genetics (formerly Invitae), Labcorp
Classification: Likely benign. Last evaluated: 2023-07-10. Review status: criteria provided, single submitter. Criteria: Invitae Variant Classification Sherloc (09022015). Collection method: clinical testing. Allele origin: germline.

PreventionGenetics, part of Exact Sciences
Classification: Likely benign for KIDINS220-related condition. Last evaluated: 2022-02-25. Review status: no assertion criteria provided. Collection method: clinical testing. Allele origin: germline. Not counted in ClinVar's aggregate classification.
Comment: This variant is classified as likely benign based on ACMG/AMP sequence variant interpretation guidelines (Richards et al. 2015 PMID: 25741868, with internal and published modifications).

NM_020738.4(KIDINS220):c.4053+7A>G

Gene: KIDINS220 (kinase D interacting substrate 220; minus strand). Cytogenetic location: 2p25.1.
Variant type: single nucleotide variant.
Coding change: c.4053+7A>G on transcript NM_020738.4 (MANE Select); 7 bases into the intron after coding-DNA position 4053, A replaced by G.
Molecular consequence: intron variant.
Genome position (GRCh38, 1-based): chr2:8,733,437, T>C on the plus strand (A>G on the coding strand, the complement: KIDINS220 is on the minus strand). VCF-style: chr2-8733437-T-C. GRCh37 (hg19) VCF-style: chr2-8873567-T-C.
Other names: c.4053+7A>G (NM_020738.2); c.3882+7A>G (NM_001348741.2, NM_001348742.2, NM_001348743.2 and 1 more transcripts); c.3996+7A>G (NM_001348738.2, NM_001348732.2); c.3885+7A>G (NM_001348739.2, NM_001348740.2, NM_001348734.2); c.3999+7A>G (NM_001348731.2); c.4056+7A>G (NM_001348729.2); c.3756+7A>G (NM_001348736.2).
Identifiers: ClinVar variation 2417988 (VCV002417988.8), dbSNP rs1664418179, ClinGen allele CA1237129670.
Genomic context (GRCh38, chr2:8,733,437, plus strand): 5'-ATAATCTCAGTGAACTGAACGGTGTGCTTATTCTTCAATAATATGAAAAATGCCATTCAA[T>C]AAATACCTGCCAACTTAGATTACTGTGACGAGGGGCACCTTCATCCAGGCCAAGCGTGTT-3'